The following is an entry in ClinVar:

NM_003611.3(OFD1):c.2514G>C (p.Leu838Phe)

Gene: OFD1 (OFD1 centriole and centriolar satellite protein; plus strand). Cytogenetic location: Xp22.2.
Variant type: single nucleotide variant.
Coding change: c.2514G>C on transcript NM_003611.3 (MANE Select); coding-DNA position 2514, G replaced by C.
Protein change: p.Leu838Phe; replaces leucine 838 with phenylalanine.
Molecular consequence: missense variant.
Genome position (GRCh38, 1-based): chrX:13,763,770, G>C. VCF-style: chrX-13763770-G-C. GRCh37 (hg19) VCF-style: chrX-13781889-G-C.
Other names: c.2394G>C, p.Leu798Phe (NM_001330209.2); c.2094G>C, p.Leu698Phe (NM_001330210.2); short protein forms L698F, L798F, L838F.
Identifiers: ClinVar variation 1471428 (VCV001471428.6), dbSNP rs1443995525, ClinGen allele CA412345456.
Genomic context (GRCh38, chrX:13,763,770, plus strand): 5'-ATTAAGGACTCATGGGACAATTGTGCCTCATGCAGCTGCAGGGAACATGCCAAGGCAGTT[G>C]GAAATGGGCGGGCTTTCTCCTGCCGGGGATATGTCTCATGTGGACGCTGCTGCAGCTGCT-3'
Protein context (NP_003602.1, residues 828-848): FESAGNMPRQ[Leu838Phe]EMGGLSPAGD

ClinVar aggregate classification (germline): Uncertain significance (1 of 4 stars; one submission).

Conditions:
Joubert syndrome. Also called: CEREBELLOPARENCHYMAL DISORDER IV; JOUBERT-BOLTSHAUSER SYNDROME; Familial aplasia of the vermis. Identifiers: Orphanet 475, MedGen C5979921, MONDO:0018772.
Orofaciodigital syndrome I (OFD1). Also called: OFDS I; Papillon-Leage and Psaume Syndrome; Oral-Facial-Digital Syndrome Type I. Identifiers: Orphanet 2750, MedGen C1510460, MONDO:0010702, OMIM 311200.

Allele frequency attached by ClinVar (database versions not stated): gnomAD exomes 0.00001.

Submission:

Labcorp Genetics (formerly Invitae), Labcorp
Classification: Uncertain significance for Orofaciodigital syndrome I; Joubert syndrome. Last evaluated: 2025-09-02. Review status: criteria provided, single submitter. Criteria: Invitae Variant Classification Sherloc (09022015). Collection method: clinical testing. Allele origin: germline.
Comment: This sequence change replaces leucine, which is neutral and non-polar, with phenylalanine, which is neutral and non-polar, at codon 838 of the OFD1 protein (p.Leu838Phe). This variant is present in population databases (no rsID available, gnomAD 0.004%). This variant has not been reported in the literature in individuals affected with OFD1-related conditions. ClinVar contains an entry for this variant (Variation ID: 1471428). Invitae Evidence Modeling of protein sequence and biophysical properties (such as structural, functional, and spatial information, amino acid conservation, physicochemical variation, residue mobility, and thermodynamic stability) indicates that this missense variant is not expected to disrupt OFD1 protein function with a negative predictive value of 80%. In summary, the available evidence is currently insufficient to determine the role of this variant in disease. Therefore, it has been classified as a Variant of Uncertain Significance.